The following is an entry in ClinVar:

NM_206933.4(USH2A):c.13121T>A (p.Val4374Glu)

Gene: USH2A (usherin; minus strand). Cytogenetic location: 1q41.
Variant type: single nucleotide variant.
Coding change: c.13121T>A on transcript NM_206933.4 (MANE Select); coding-DNA position 13121, T replaced by A.
Protein change: p.Val4374Glu; replaces valine 4374 with glutamic acid.
Molecular consequence: missense variant.
Genome position (GRCh38, 1-based): chr1:215,674,790, A>T on the plus strand (T>A on the coding strand, the complement: USH2A is on the minus strand). VCF-style: chr1-215674790-A-T. GRCh37 (hg19) VCF-style: chr1-215848132-A-T.
Other names: c.13121T>A (NM_206933.3); short protein forms V4374E.
Identifiers: ClinVar variation 3340834 (VCV003340834.2).
Genomic context (GRCh38, chr1:215,674,790, plus strand): 5'-TCATATCTAACTAAATATTTAGTAATCTTTCCATTTTGCACTGTGGGCGGTGACCAACAT[A>T]CATTCATTTGAGTGGCACTGACGGCCCAAAGATCTGGAGGGCTGACTTCTGATGGAGCAG-3'
Protein context (NP_996816.3, residues 4364-4384): LWAVSATQMN[Val4374Glu]CWSPPTVQNG

ClinVar aggregate classification (germline): Uncertain significance. Review status: criteria provided, multiple submitters, no conflicts (2 of 4 stars). 2 submissions from 2 submitters: Uncertain significance (2). Last evaluated 2024-02-15.

gnomAD v4.1: 1 of 1,614,194 alleles (0.000062%); highest among the groups gnomAD compares: East Asian, 0.0022%; no homozygotes.

Submissions (2):

Revvity Omics, Revvity
Classification: Uncertain significance. Last evaluated: 2024-02-15. Review status: criteria provided, single submitter. Criteria: ACMG Guidelines, 2015. Collection method: clinical testing. Allele origin: germline.

GeneDx
Classification: Uncertain significance. Last evaluated: 2023-04-28. Review status: criteria provided, single submitter. Criteria: GeneDx Variant Classification Process June 2021. Collection method: clinical testing. Allele origin: germline. Affected: yes.
Comment: Identified in a patient with an inherited retinal disease who also harbored p.(R4121C) phase unknown in published literature (Gao et al., 2020); Identified in a cohort of patients with suspected inherited retinal disease in published literature (Gao et al., 2019); Identified in a patient with an inherited retinal disease who also harbored p.(R4121C) and p.(R1946*) phase unknown in published literature (Zhu et al., 2020); In silico analysis supports that this missense variant has a deleterious effect on protein structure/function; This variant is associated with the following publications: (PMID: 32188678, 31054281, 32675063)